The following is an entry in ClinVar:

ClinVar aggregate classification (germline): Uncertain significance (1 of 4 stars; one submission).

Conditions:
FG syndrome (FGS). Identifiers: MedGen C0220769, MONDO:0002010.

gnomAD v4.1: 3 of 1,211,975 alleles (0.00025%); highest among the groups gnomAD compares: Non-Finnish European, 0.00034%; no homozygotes.

Submission:

Labcorp Genetics (formerly Invitae), Labcorp
Classification: Uncertain significance for FG syndrome. Last evaluated: 2021-09-15. Review status: criteria provided, single submitter. Criteria: Invitae Variant Classification Sherloc (09022015). Collection method: clinical testing. Allele origin: germline.
Comment: This variant is not present in population databases (ExAC no frequency). This sequence change falls in intron 19 of the MED12 gene. It does not directly change the encoded amino acid sequence of the MED12 protein. It affects a nucleotide within the consensus splice site of the intron. In summary, the available evidence is currently insufficient to determine the role of this variant in disease. Therefore, it has been classified as a Variant of Uncertain Significance. Variants that disrupt the consensus splice site are a relatively common cause of aberrant splicing (PMID: 17576681, 9536098). Algorithms developed to predict the effect of sequence changes on RNA splicing suggest that this variant is not likely to affect RNA splicing. This variant has not been reported in the literature in individuals affected with MED12-related conditions.

Literature cited by the submitters: PubMed 17576681; PubMed 9536098.

NM_005120.3(MED12):c.2685+6G>A

Gene: MED12 (mediator complex subunit 12; plus strand). Cytogenetic location: Xq13.1.
Variant type: single nucleotide variant.
Coding change: c.2685+6G>A on transcript NM_005120.3 (MANE Select); 6 bases into the intron after coding-DNA position 2685, G replaced by A.
Molecular consequence: intron variant.
Genome position (GRCh38, 1-based): chrX:71,126,490, G>A. VCF-style: chrX-71126490-G-A. GRCh37 (hg19) VCF-style: chrX-70346340-G-A.
Identifiers: ClinVar variation 1357795 (VCV001357795.6), dbSNP rs2147796689, ClinGen allele CA2573159615.